The following is an entry in ClinVar:

NM_000069.3(CACNA1S):c.4951_4956del (p.Pro1651_Arg1652del)

Gene: CACNA1S (calcium voltage-gated channel subunit alpha1 S; minus strand). Cytogenetic location: 1q32.1.
Variant type: Deletion.
Coding change: c.4951_4956del on transcript NM_000069.3 (MANE Select); coding-DNA positions 4951 to 4956, 6 bases deleted (CCACGC; older notation c.4951_4956delCCACGC).
Protein change: p.Pro1651_Arg1652del.
Molecular consequence: inframe deletion.
Genome position (GRCh38, 1-based): chr1:201,043,373-201,043,378, GCGTGG deleted on the plus strand (CCACGC on the coding strand, the reverse complement: CACNA1S is on the minus strand). VCF-style (leftmost placement, unchanged base first): chr1-201043372-TGCGTGG-T. GRCh37 (hg19) VCF-style: chr1-201012500-TGCGTGG-T.
Identifiers: ClinVar variation 3073015 (VCV003073015.1), dbSNP rs2464410750, ClinGen allele CA2825000895.

ClinVar aggregate classification (germline): Uncertain significance (1 of 4 stars; one submission).

Conditions:
Malignant hyperthermia, susceptibility to, 5 (MHS5). Also called: CACNA1S-Related Malignant Hyperthermia Susceptibility. Identifiers: Orphanet 423, MedGen C1866077, MONDO:0011163, OMIM 601887.

Submission:

All of Us Research Program, National Institutes of Health
Classification: Uncertain significance for Malignant hyperthermia, susceptibility to, 5. Last evaluated: 2023-08-15. Review status: criteria provided, single submitter. Criteria: ACMG Guidelines, 2015. Collection method: clinical testing. Allele origin: germline. Inheritance: Autosomal dominant inheritance. Observed: 1 variant allele, 1 heterozygote.
Comment: This variant causes the in-frame deletion of two amino acids in the CACNA1S protein. To our knowledge, functional studies have not been reported for this variant. This variant has not been reported in individuals affected with CACNA1S-related disorders in the literature. This variant has not been identified in the general population by the Genome Aggregation Database (gnomAD). The available evidence is insufficient to determine the role of this variant in disease conclusively. Therefore, this variant is classified as a Variant of Uncertain Significance.

This study involves interpretation of variants in research participants for the purpose of population health screening. Participant phenotype was not available at the time of variant classification. Additional details can be found in publication PMID: 35346344, PMCID: PMC8962531